The following is an entry in ClinVar:

NM_001291303.3(FAT4):c.10395C>T (p.Thr3465=)

Gene: FAT4 (FAT atypical cadherin 4; plus strand). Cytogenetic location: 4q28.1.
Variant type: single nucleotide variant.
Coding change: c.10395C>T on transcript NM_001291303.3 (MANE Select); coding-DNA position 10395, C replaced by T.
Protein change: p.Thr3465=; no amino-acid change (threonine 3465 retained).
Molecular consequence: synonymous variant.
Genome position (GRCh38, 1-based): chr4:125,451,405, C>T. VCF-style: chr4-125451405-C-T. GRCh37 (hg19) VCF-style: chr4-126372560-C-T.
Other names: c.10395C>T, p.Thr3465= (NM_001291285.3); c.10389C>T, p.Thr3463= (NM_024582.6).
Identifiers: ClinVar variation 712704 (VCV000712704.8), dbSNP rs768300702, ClinGen allele CA3073684.

ClinVar aggregate classification (germline): Likely benign. Review status: criteria provided, multiple submitters, no conflicts (2 of 4 stars). 2 submissions from 2 submitters: Likely benign (2). Last evaluated 2026-01-05.

Allele frequency attached by ClinVar (database versions not stated): gnomAD exomes 0.00001 and 0.00004; TOPMed 0.00001; ExAC 0.00003; gnomAD 0.00001.
gnomAD v4.1: 19 of 1,613,958 alleles (0.0012%); highest among the groups gnomAD compares: Admixed American, 0.017%; no homozygotes.

Submissions (2):

Labcorp Genetics (formerly Invitae), Labcorp
Classification: Likely benign. Last evaluated: 2026-01-05. Review status: criteria provided, single submitter. Criteria: Invitae Variant Classification Sherloc (09022015). Collection method: clinical testing. Allele origin: germline.

Women's Health and Genetics/Laboratory Corporation of America, LabCorp
Classification: Likely benign. Last evaluated: 2023-11-02. Review status: criteria provided, single submitter. Criteria: LabCorp Variant Classification Summary - May 2015. Collection method: clinical testing. Allele origin: germline.
Comment: Variant summary: FAT4 c.10389C>T alters a non-conserved nucleotide resulting in a synonymous change. Consensus agreement among computation tools predict no significant impact on normal splicing. However, these predictions have yet to be confirmed by functional studies. The variant allele was found at a frequency of 4.4e-05 in 250840 control chromosomes (gnomAD). To our knowledge, no occurrence of c.10389C>T in individuals affected with FAT4-Related Disorders and no experimental evidence demonstrating its impact on protein function have been reported. One submitter has cited clinical-significance assessments for this variant to ClinVar after 2014 and has classified the variant as likely benign. Based on the evidence outlined above, the variant was classified as likely benign.